The following is an entry in ClinVar:

NM_002900.3(RBP3):c.1227del (p.Val411fs)

Gene: RBP3 (retinol binding protein 3; plus strand). Cytogenetic location: 10q11.22.
Variant type: Deletion.
Coding change: c.1227del on transcript NM_002900.3 (MANE Select); coding-DNA position 1227, one base deleted (A; older notation c.1227delA).
Protein change: p.Val411fs; shifts the reading frame from valine 411.
Molecular consequence: frameshift variant.
Genome position (GRCh38, 1-based): chr10:47,349,711, A deleted. VCF-style (leftmost placement, unchanged base first): chr10-47349710-CA-C. GRCh37 (hg19) VCF-style: chr10-48389650-CT-C.
Other names: short protein forms V411fs.
Identifiers: ClinVar variation 1879131 (VCV001879131.32), dbSNP rs2549028408, ClinGen allele CA2574540251.

ClinVar aggregate classification (germline): Pathogenic/Likely pathogenic. Review status: criteria provided, multiple submitters, no conflicts (2 of 4 stars). 2 submissions from 2 submitters: Pathogenic (1); Likely pathogenic (1). Last evaluated 2022-11-23.

Allele frequency attached by ClinVar (database versions not stated): gnomAD exomes below 0.00001.

Submissions (2):

Labcorp Genetics (formerly Invitae), Labcorp
Classification: Pathogenic. Last evaluated: 2022-11-23. Review status: criteria provided, single submitter. Criteria: Invitae Variant Classification Sherloc (09022015). Collection method: clinical testing. Allele origin: germline.
Comment: For these reasons, this variant has been classified as Pathogenic. This variant has not been reported in the literature in individuals affected with RBP3-related conditions. This variant is not present in population databases (gnomAD no frequency). This sequence change creates a premature translational stop signal (p.Val411Trpfs*155) in the RBP3 gene. It is expected to result in an absent or disrupted protein product. Loss-of-function variants in RBP3 are known to be pathogenic (PMID: 9614228, 23105016, 25766589).

CeGaT Center for Human Genetics Tuebingen
Classification: Likely pathogenic. Last evaluated: 2022-10-01. Review status: criteria provided, single submitter. Criteria: CeGaT Center For Human Genetics Tuebingen Variant Classification Criteria Version 2. Collection method: clinical testing. Allele origin: germline. Affected: yes. Observed: 1 variant allele.
Comment: RBP3: PVS1:Strong, PM2

Literature cited by the submitters: PubMed 9614228 (cited by Labcorp Genetics (formerly Invitae), Labcorp); PubMed 23105016 (cited by Labcorp Genetics (formerly Invitae), Labcorp); PubMed 25766589 (cited by Labcorp Genetics (formerly Invitae), Labcorp).